The following is an entry in ClinVar:

ClinVar aggregate classification (germline): Uncertain significance (1 of 4 stars; one submission).

Conditions:
RYR1-related disorder. Also called: RYR1-related condition; RYR1-related disorders. Identifiers: MedGen CN239331.

Submission:

Labcorp Genetics (formerly Invitae), Labcorp
Classification: Uncertain significance for RYR1-related disorder. Last evaluated: 2025-04-30. Review status: criteria provided, single submitter. Criteria: Invitae Variant Classification Sherloc (09022015). Collection method: clinical testing. Allele origin: germline.
Comment: This sequence change affects codon 1569 of the RYR1 mRNA. It is a 'silent' change, meaning that it does not change the encoded amino acid sequence of the RYR1 protein. This variant also falls at the last nucleotide of exon 32, which is part of the consensus splice site for this exon. This variant is not present in population databases (gnomAD no frequency). This variant has not been reported in the literature in individuals affected with RYR1-related conditions. Variants that disrupt the consensus splice site are a relatively common cause of aberrant splicing (PMID: 17576681, 9536098). Algorithms developed to predict the effect of sequence changes on RNA splicing suggest that this variant may disrupt the consensus splice site. In summary, the available evidence is currently insufficient to determine the role of this variant in disease. Therefore, it has been classified as a Variant of Uncertain Significance.

Literature cited by the submitters: PubMed 17576681; PubMed 9536098.

NM_000540.3(RYR1):c.4707G>A (p.Lys1569=)

Gene: RYR1 (ryanodine receptor 1; plus strand). Cytogenetic location: 19q13.2.
Variant type: single nucleotide variant.
Coding change: c.4707G>A on transcript NM_000540.3 (MANE Select); coding-DNA position 4707, G replaced by A.
Protein change: p.Lys1569=; no amino-acid change (lysine 1569 retained).
Molecular consequence: synonymous variant.
Genome position (GRCh38, 1-based): chr19:38,483,113, G>A. VCF-style: chr19-38483113-G-A. GRCh37 (hg19) VCF-style: chr19-38973753-G-A.
Other names: c.4707G>A, p.Lys1569= (NM_001042723.2).
Identifiers: ClinVar variation 4718258 (VCV004718258.1).